The following is an entry in ClinVar:

ClinVar aggregate classification (germline): Uncertain significance. Review status: criteria provided, multiple submitters, no conflicts (2 of 4 stars). 5 submissions from 4 submitters: Uncertain significance (5). Last evaluated 2023-11-04.

Conditions:
Retinitis pigmentosa 39 (RP39). Identifiers: Orphanet 791, MedGen C3151138, MONDO:0013436, OMIM 613809.
Usher syndrome type 2A. Also called: RETINAL DISEASE IN USHER SYNDROME TYPE IIA, MODIFIER OF; USHER SYNDROME, TYPE IIA. Identifiers: Orphanet 231178, Orphanet 886, MedGen C1848634, MONDO:0010169, OMIM 276901.
Hearing impairment. Also called: Impaired Hearing. Identifiers: MedGen C1384666, MONDO:0005365, HP:0000365.

Allele frequency attached by ClinVar (database versions not stated): gnomAD exomes below 0.00001 and 0.00001; gnomAD 0.00001; TOPMed 0.00001; ESP Exome Variant Server 0.00008.
gnomAD v4.1: 3 of 1,614,078 alleles (0.00019%); highest among the groups gnomAD compares: Non-Finnish European, 0.00025%; no homozygotes.

Submissions (5):

Genome-Nilou Lab
Classification: Uncertain significance for Retinitis pigmentosa 39. Last evaluated: 2023-11-04. Review status: criteria provided, single submitter. Criteria: ACMG Guidelines, 2015. Collection method: clinical testing. Allele origin: germline. Affected: no.

Genome-Nilou Lab
Classification: Uncertain significance for Usher syndrome type 2A. Last evaluated: 2023-11-04. Review status: criteria provided, single submitter. Criteria: ACMG Guidelines, 2015. Collection method: clinical testing. Allele origin: germline. Affected: no.

Labcorp Genetics (formerly Invitae), Labcorp
Classification: Uncertain significance. Last evaluated: 2021-10-25. Review status: criteria provided, single submitter. Criteria: Invitae Variant Classification Sherloc (09022015). Collection method: clinical testing. Allele origin: germline.
Comment: This sequence change replaces phenylalanine with leucine at codon 2910 of the USH2A protein (p.Phe2910Leu). The phenylalanine residue is highly conserved and there is a small physicochemical difference between phenylalanine and leucine. This variant is not present in population databases (ExAC no frequency). This variant has not been reported in the literature in individuals with USH2A-related conditions. ClinVar contains an entry for this variant (Variation ID: 197509). Algorithms developed to predict the effect of missense changes on protein structure and function are either unavailable or do not agree on the potential impact of this missense change (SIFT: "Deleterious"; PolyPhen-2: "Benign"; Align-GVGD: "Class C0"). In summary, the available evidence is currently insufficient to determine the role of this variant in disease. Therefore, it has been classified as a Variant of Uncertain Significance.

Department of Otolaryngology – Head & Neck Surgery, Cochlear Implant Center
Classification: Uncertain significance for Hearing impairment. Last evaluated: 2021-04-12. Review status: criteria provided, single submitter. Criteria: ClinGen HL ACMG Specifications v1. Collection method: clinical testing. Allele origin: germline. Affected: yes.
Comment: PM2_Moderate, BP4_Supporting

Eurofins Ntd Llc (ga)
Classification: Uncertain significance. Last evaluated: 2014-11-04. Review status: criteria provided, single submitter. Criteria: EGL Classification Definitions 2015. Collection method: clinical testing. Allele origin: germline. Observed: 1 variant allele, 1 heterozygote.

NM_206933.4(USH2A):c.8730T>A (p.Phe2910Leu)

Gene: USH2A (usherin; minus strand). Cytogenetic location: 1q41.
Variant type: single nucleotide variant.
Coding change: c.8730T>A on transcript NM_206933.4 (MANE Select); coding-DNA position 8730, T replaced by A.
Protein change: p.Phe2910Leu; replaces phenylalanine 2910 with leucine.
Molecular consequence: missense variant.
Genome position (GRCh38, 1-based): chr1:215,867,122, A>T on the plus strand (T>A on the coding strand, the complement: USH2A is on the minus strand). VCF-style: chr1-215867122-A-T. GRCh37 (hg19) VCF-style: chr1-216040464-A-T.
Other names: short protein forms F2910L.
Identifiers: ClinVar variation 197509 (VCV000197509.11), dbSNP rs373811292, ClinGen allele CA245700.